The following is an entry in ClinVar:

NM_004612.4(TGFBR1):c.*1697C>T

Gene: TGFBR1 (transforming growth factor beta receptor 1; plus strand). Cytogenetic location: 9q22.33.
Variant type: single nucleotide variant.
Coding change: c.*1697C>T on transcript NM_004612.4 (MANE Select); 1697 bases downstream of the stop codon, C replaced by T.
Molecular consequence: 3 prime UTR variant.
Genome position (GRCh38, 1-based): chr9:99,151,002, C>T. VCF-style: chr9-99151002-C-T. GRCh37 (hg19) VCF-style: chr9-101913284-C-T.
Other names: c.*1697C>T (NM_001130916.3, NM_001306210.2).
Identifiers: ClinVar variation 1879739 (VCV001879739.29), dbSNP rs181403208, ClinGen allele CA196850236.

ClinVar aggregate classification (germline): Benign (1 of 4 stars; one submission).

Allele frequency attached by ClinVar (database versions not stated): 1000 Genomes Project 0.00100; 1000 Genomes Project 30x 0.00109; TOPMed 0.00153; gnomAD 0.00168; gnomAD exomes 0.00234.
gnomAD v4.1: 436 of 227,352 alleles (0.19%); highest among the groups gnomAD compares: Non-Finnish European, 0.28%; 6 homozygotes.

Submission:

CeGaT Center for Human Genetics Tuebingen
Classification: Benign. Last evaluated: 2023-07-01. Review status: criteria provided, single submitter. Criteria: CeGaT Center For Human Genetics Tuebingen Variant Classification Criteria Version 2. Collection method: clinical testing. Allele origin: germline. Affected: yes. Observed: 8 variant alleles.
Comment: TGFBR1: BS1, BS2